The following is an entry in ClinVar:

NC_000009.11:g.(?_6533017)_(6595139_?)del

Gene: GLDC (glycine decarboxylase; minus strand). Cytogenetic location: 9p24.1.
Variant type: Deletion.
Identifiers: ClinVar variation 1459370 (VCV001459370.8).

ClinVar aggregate classification (germline): Pathogenic (1 of 4 stars; one submission).

Conditions:
Glycine encephalopathy. Also called: Non-ketotic hyperglycinemia; Nonketotic hyperglycinemia. Identifiers: Orphanet 407, MedGen C0751748, MONDO:0011612, HP:0008288.

Submission:

Labcorp Genetics (formerly Invitae), Labcorp
Classification: Pathogenic for Glycine encephalopathy. Last evaluated: 2022-11-23. Review status: criteria provided, single submitter. Criteria: Invitae Variant Classification Sherloc (09022015). Collection method: clinical testing. Allele origin: germline.
Comment: This variant is a gross deletion of the genomic region encompassing exon(s) 9-25 of the GLDC gene, which includes the termination codon. This deletion extends beyond the assayed region for this gene and therefore may encompass additional genes. While this deletion is not anticipated to lead to nonsense mediated decay, it is expected to alter mRNA translation or result in a truncated protein product. This variant has not been reported in the literature in individuals affected with GLDC-related conditions. This variant disrupts a region of the GLDC protein in which other variant(s) (p.Pro907Leu) have been determined to be pathogenic (PMID: 26179960). This suggests that this is a clinically significant region of the protein, and that variants that disrupt it are likely to be disease-causing. For these reasons, this variant has been classified as Pathogenic.

Literature cited by the submitters: PubMed 26179960.